The following is an entry in ClinVar:

ClinVar aggregate classification (germline): Benign/Likely benign. Review status: criteria provided, multiple submitters, no conflicts (2 of 4 stars). 9 submissions from 9 submitters: Benign (6); Likely benign (1). 2 of the submissions do not count toward it. Last evaluated 2026-02-04.

Conditions:
Asphyxiating thoracic dystrophy 3. Also called: SHORT-RIB THORACIC DYSPLASIA 3 WITH OR WITHOUT POLYDACTYLY; POLYDACTYLY WITH NEONATAL CHONDRODYSTROPHY, TYPE I; SHORT-RIB THORACIC DYSPLASIA 3/6 WITH POLYDACTYLY, DIGENIC; Short rib polydactyly syndrome 2B; Saldino-Noonan Syndrome. Identifiers: Orphanet 474, Orphanet 93269, Orphanet 93270, Orphanet 93271, MedGen C0036069, MONDO:0013127, OMIM 613091.
Jeune thoracic dystrophy. Also called: Infantile thoracic dystrophy; Thoracic pelvic phalangeal dystrophy; Jeune's syndrome; Chondroectodermal dysplasia-like syndrome; Short-rib thoracic dysplasia; Jeune syndrome. Identifiers: Orphanet 474, MedGen C0265275, MONDO:0018770.

Allele frequency attached by ClinVar (database versions not stated): 1000 Genomes Project 0.03295; 1000 Genomes Project 30x 0.03389; gnomAD 0.04336 and 0.04434; TOPMed 0.04682; gnomAD exomes 0.04929; ESP Exome Variant Server 0.04934; ExAC 0.04986.
gnomAD v4.1: 96,125 of 1,613,268 alleles (6%); highest among the groups gnomAD compares: Non-Finnish European, 6.7%; 3,207 homozygotes.

Submissions (9):

Labcorp Genetics (formerly Invitae), Labcorp
Classification: Benign for Jeune thoracic dystrophy. Last evaluated: 2026-02-04. Review status: criteria provided, single submitter. Criteria: Invitae Variant Classification Sherloc (09022015). Collection method: clinical testing. Allele origin: germline.

ARUP Laboratories, Molecular Genetics and Genomics, ARUP Laboratories
Classification: Benign for Asphyxiating thoracic dystrophy 3. Last evaluated: 2025-05-23. Review status: criteria provided, single submitter. Criteria: ARUP Molecular Germline Variant Investigation Process 2024. Collection method: clinical testing. Allele origin: germline.

Blueprint Genetics
Classification: Benign. Last evaluated: 2024-11-27. Review status: criteria provided, single submitter. Criteria: ACMG Guidelines, 2015. Collection method: clinical testing. Allele origin: germline.

Illumina Laboratory Services, Illumina
Classification: Benign for Asphyxiating thoracic dystrophy 3. Last evaluated: 2018-01-12. Review status: criteria provided, single submitter. Criteria: ICSL Variant Classification Criteria 13 December 2019. Collection method: clinical testing. Allele origin: germline.
Comment: This variant was observed in the ICSL laboratory as part of a predisposition screen in an ostensibly healthy population. It had not been previously curated by ICSL or reported in the Human Gene Mutation Database (HGMD: prior to June 1st, 2018), and was therefore a candidate for classification through an automated scoring system. Utilizing variant allele frequency, disease prevalence and penetrance estimates, and inheritance mode, an automated score was calculated to assess if this variant is too frequent to cause the disease. Based on the score and internal cut-off values, a variant classified as benign is not then subjected to further curation. The score for this variant resulted in a classification of benign for this disease.

GeneDx
Classification: Benign. Last evaluated: 2016-04-14. Review status: criteria provided, single submitter. Criteria: GeneDx Variant Classification (06012015). Collection method: clinical testing. Allele origin: germline. Affected: yes.
Comment: This variant is considered likely benign or benign based on one or more of the following criteria: it is a conservative change, it occurs at a poorly conserved position in the protein, it is predicted to be benign by multiple in silico algorithms, and/or has population frequency not consistent with disease.

Laboratory for Molecular Medicine, Mass General Brigham Personalized Medicine
Classification: Benign. Last evaluated: 2016-03-28. Review status: criteria provided, single submitter. Criteria: LMM Criteria. Collection method: clinical testing. Allele origin: germline.
Comment: Variant identified in a genome or exome case(s) and assessed due to predicted null impact of the variant or pathogenic assertions in the literature or databases. Disclaimer: This variant has not undergone full assessment. The following are preliminary notes: Frequency

Breakthrough Genomics
Classification: Likely benign. Review status: criteria provided, single submitter. Criteria: ACMG Guidelines, 2015. Collection method: not provided. Allele origin: germline. Inheritance: Autosomal recessive inheritance. Affected: yes.

Clinical Genetics DNA and cytogenetics Diagnostics Lab, Erasmus MC, Erasmus Medical Center
Classification: Benign. Review status: no assertion criteria provided. Collection method: clinical testing. Allele origin: germline. Affected: yes. Study: VKGL Data-share Consensus. Not counted in ClinVar's aggregate classification.

Diagnostic Laboratory, Department of Genetics, University Medical Center Groningen
Classification: Benign. Review status: no assertion criteria provided. Collection method: clinical testing. Allele origin: germline. Affected: yes. Study: VKGL Data-share Consensus. Not counted in ClinVar's aggregate classification.

NM_001377.3(DYNC2H1):c.911A>T (p.Gln304Leu)

Gene: DYNC2H1 (dynein cytoplasmic 2 heavy chain 1; plus strand). Cytogenetic location: 11q22.3.
Variant type: single nucleotide variant.
Coding change: c.911A>T on transcript NM_001377.3 (MANE Select); coding-DNA position 911, A replaced by T.
Protein change: p.Gln304Leu; replaces glutamine 304 with leucine.
Molecular consequence: missense variant.
Genome position (GRCh38, 1-based): chr11:103,117,775, A>T. VCF-style: chr11-103117775-A-T. GRCh37 (hg19) VCF-style: chr11-102988504-A-T.
Other names: c.911A>T, p.Gln304Leu (NM_001080463.2); short protein forms Q304L.
Identifiers: ClinVar variation 302005 (VCV000302005.36), dbSNP rs12146610, ClinGen allele CA6252627.